The following is an entry in ClinVar:

ClinVar aggregate classification (germline): Pathogenic. Review status: criteria provided, multiple submitters, no conflicts (2 of 4 stars). 2 submissions from 2 submitters: Pathogenic (2). Last evaluated 2023-08-23.

Conditions:
Hereditary nonpolyposis colorectal neoplasms. Identifiers: MedGen C0009405, MeSH D003123.
Lynch syndrome 5 (LYNCH5). Also called: Colorectal cancer, hereditary nonpolyposis, type 5; Hereditary non-polyposis colorectal cancer, type 5. Identifiers: Orphanet 144, MedGen C1833477, MONDO:0013710, OMIM 614350. Disease mechanism: loss of function.

Submissions (2):

Myriad Genetics, Inc.
Classification: Pathogenic for Lynch syndrome 5. Last evaluated: 2023-08-23. Review status: criteria provided, single submitter. Criteria: Myriad Autosomal Dominant, Autosomal Recessive and X-Linked Classification Criteria (2023). Collection method: clinical testing. Allele origin: unknown.
Comment: This variant is considered pathogenic. This variant creates a frameshift predicted to result in premature protein truncation.

Labcorp Genetics (formerly Invitae), Labcorp
Classification: Pathogenic for Hereditary nonpolyposis colorectal neoplasms. Last evaluated: 2019-09-29. Review status: criteria provided, single submitter. Criteria: Invitae Variant Classification Sherloc (09022015). Collection method: clinical testing. Allele origin: germline.
Comment: For these reasons, this variant has been classified as Pathogenic. Loss-of-function variants in MSH6 are known to be pathogenic (PMID: 18269114, 24362816). This variant has not been reported in the literature in individuals with MSH6-related conditions. This variant is not present in population databases (ExAC no frequency). This sequence change creates a premature translational stop signal (p.Gly1134Lysfs*28) in the MSH6 gene. It is expected to result in an absent or disrupted protein product.

Literature cited by the submitters: PubMed 18269114 (cited by Labcorp Genetics (formerly Invitae), Labcorp); PubMed 24362816 (cited by Labcorp Genetics (formerly Invitae), Labcorp).

NM_000179.3(MSH6):c.3399_3403del (p.Gly1134fs)

Gene: MSH6 (mutS homolog 6; plus strand). Cytogenetic location: 2p16.3.
Variant type: Deletion.
Coding change: c.3399_3403del on transcript NM_000179.3 (MANE Select); coding-DNA positions 3399 to 3403, 5 bases deleted (TGGAC; older notation c.3399_3403delTGGAC).
Protein change: p.Gly1134fs; shifts the reading frame from glycine 1134.
Molecular consequence: frameshift variant.
Genome position (GRCh38, 1-based): chr2:47,803,646-47,803,650, TGGAC deleted; deleting any 5 consecutive bases within chr2:47,803,644-47,803,650 gives the same sequence; the c. name uses the placement nearest the transcript's 3' end. VCF-style (leftmost placement, unchanged base first): chr2-47803643-TACTGG-T. GRCh37 (hg19) VCF-style: chr2-48030782-TACTGG-T.
Other names: c.3009_3013del, p.Gly1004fs (NM_001281492.2); c.2493_2497del, p.Gly832fs (NM_001281493.2, NM_001281494.2); short protein forms G1004fs, G1134fs, G832fs.
Identifiers: ClinVar variation 966414 (VCV000966414.9), dbSNP rs1669770252, ClinGen allele CA913187972.